The following is an entry in ClinVar:

NM_181332.3(NLGN4X):c.1740T>C (p.Asp580=)

Gene: NLGN4X (neuroligin 4 X-linked; minus strand). Cytogenetic location: Xp22.32.
Variant type: single nucleotide variant.
Coding change: c.1740T>C on transcript NM_181332.3 (MANE Select); coding-DNA position 1740, T replaced by C.
Protein change: p.Asp580=; no amino-acid change (aspartic acid 580 retained).
Molecular consequence: synonymous variant.
Genome position (GRCh38, 1-based): chrX:5,893,528, A>G on the plus strand (T>C on the coding strand, the complement: NLGN4X is on the minus strand). VCF-style: chrX-5893528-A-G. GRCh37 (hg19) VCF-style: chrX-5811569-A-G.
Other names: c.1740T>C, p.Asp580= (NM_020742.4, NM_001282145.2, NM_001282146.2 and 4 more transcripts).
Identifiers: ClinVar variation 4681788 (VCV004681788.5).

ClinVar aggregate classification (germline): Likely benign (1 of 4 stars; one submission).

Submission:

CeGaT Center for Human Genetics Tuebingen
Classification: Likely benign. Last evaluated: 2025-11-01. Review status: criteria provided, single submitter. Criteria: CeGaT Center For Human Genetics Tuebingen Variant Classification Criteria Version 2. Collection method: clinical testing. Allele origin: germline. Affected: yes. Observed: 1 variant allele.
Comment: NLGN4X: PM2:Supporting, BP4, BP7